The following is an entry in ClinVar:

NM_001166108.2(PALLD):c.3229C>T (p.His1077Tyr)

Genes: CBR4 (carbonyl reductase 4; minus strand), PALLD (palladin, cytoskeletal associated protein; plus strand). Cytogenetic location: 4q32.3.
Variant type: single nucleotide variant.
Coding change: c.3229C>T on transcript NM_001166108.2 (MANE Select); coding-DNA position 3229, C replaced by T.
Protein change: p.His1077Tyr; replaces histidine 1077 with tyrosine.
Molecular consequence: missense variant.
Genome position (GRCh38, 1-based): chr4:168,924,949, C>T. VCF-style: chr4-168924949-C-T. GRCh37 (hg19) VCF-style: chr4-169846100-C-T.
Other names: c.2032C>T, p.His678Tyr (NM_001166109.2); c.1717C>T, p.His573Tyr (NM_001166110.2); c.1057C>T, p.His353Tyr (NM_001367567.1, NM_001367569.1); c.1108C>T, p.His370Tyr (NM_001367568.1, NM_001367570.1); c.3178C>T, p.His1060Tyr (NM_016081.4); short protein forms H1060Y, H353Y, H678Y, H370Y, H573Y, H1077Y.
Identifiers: ClinVar variation 658471 (VCV000658471.9), dbSNP rs778210310, ClinGen allele CA3136072.

ClinVar aggregate classification (germline): Uncertain significance. Review status: criteria provided, multiple submitters, no conflicts (2 of 4 stars). 2 submissions from 2 submitters: Uncertain significance (2). Last evaluated 2025-09-04.

Conditions:
Pancreatic adenocarcinoma. Identifiers: MedGen C0281361, MONDO:0006047, HP:0006725.

Allele frequency attached by ClinVar (database versions not stated): gnomAD 0.00003; gnomAD exomes 0.00001; ExAC 0.00002; TOPMed 0.00002.
gnomAD v4.1: 52 of 1,613,972 alleles (0.0032%); highest among the groups gnomAD compares: Non-Finnish European, 0.0044%; no homozygotes.

Submissions (2):

Labcorp Genetics (formerly Invitae), Labcorp
Classification: Uncertain significance for Pancreatic adenocarcinoma. Last evaluated: 2025-09-04. Review status: criteria provided, single submitter. Criteria: Invitae Variant Classification Sherloc (09022015). Collection method: clinical testing. Allele origin: germline.
Comment: This sequence change replaces histidine, which is basic and polar, with tyrosine, which is neutral and polar, at codon 573 of the PALLD protein (p.His573Tyr). This variant is present in population databases (rs778210310, gnomAD 0.002%). This variant has not been reported in the literature in individuals affected with PALLD-related conditions. ClinVar contains an entry for this variant (Variation ID: 658471). An algorithm developed to predict the effect of missense changes on protein structure and function (PolyPhen-2) suggests that this variant is likely to be disruptive. In summary, the available evidence is currently insufficient to determine the role of this variant in disease. Therefore, it has been classified as a Variant of Uncertain Significance.

Ambry Genetics
Classification: Uncertain significance. Last evaluated: 2022-10-31. Review status: criteria provided, single submitter. Criteria: Ambry Variant Classification Scheme 2023. Collection method: clinical testing. Allele origin: germline.
Comment: The p.H1060Y variant (also known as c.3178C>T), located in coding exon 18 of the PALLD gene, results from a C to T substitution at nucleotide position 3178. The histidine at codon 1060 is replaced by tyrosine, an amino acid with similar properties. This amino acid position is conserved. In addition, the in silico prediction for this alteration is inconclusive. Since supporting evidence is limited at this time, the clinical significance of this alteration remains unclear.